The following is an entry in ClinVar:

NM_001369268.1(ACAN):c.1490A>T (p.Gln497Leu)

Gene: ACAN (aggrecan; plus strand). Cytogenetic location: 15q26.1.
Variant type: single nucleotide variant.
Coding change: c.1490A>T on transcript NM_001369268.1 (MANE Select); coding-DNA position 1490, A replaced by T.
Protein change: p.Gln497Leu; replaces glutamine 497 with leucine.
Molecular consequence: missense variant.
Genome position (GRCh38, 1-based): chr15:88,847,303, A>T. VCF-style: chr15-88847303-A-T. GRCh37 (hg19) VCF-style: chr15-89390534-A-T.
Other names: c.1490A>T, p.Gln497Leu (NM_001135.4, NM_013227.4); short protein forms Q497L.
Identifiers: ClinVar variation 744984 (VCV000744984.34), dbSNP rs117881662, ClinGen allele CA7719567.

ClinVar aggregate classification (germline): Benign/Likely benign. Review status: criteria provided, multiple submitters, no conflicts (2 of 4 stars). 4 submissions from 4 submitters: Benign (2); Likely benign (1). 1 of the submissions does not count toward it. Last evaluated 2025-11-03.

Conditions:
ACAN-related disorder. Also called: ACAN-related disorders; ACAN-related condition.

Allele frequency attached by ClinVar (database versions not stated): gnomAD 0.00026 and 0.00058; TOPMed 0.00032; gnomAD exomes 0.00104; ExAC 0.00232; 1000 Genomes Project 30x 0.00297; 1000 Genomes Project 0.00359.
gnomAD v4.1: 827 of 1,574,138 alleles (0.053%); highest among the groups gnomAD compares: East Asian, 1.2%; 3 homozygotes.

Submissions (4):

Labcorp Genetics (formerly Invitae), Labcorp
Classification: Benign. Last evaluated: 2025-11-03. Review status: criteria provided, single submitter. Criteria: Invitae Variant Classification Sherloc (09022015). Collection method: clinical testing. Allele origin: germline.

Blueprint Genetics
Classification: Likely benign. Last evaluated: 2024-10-11. Review status: criteria provided, single submitter. Criteria: ACMG Guidelines, 2015. Collection method: clinical testing. Allele origin: germline.

CeGaT Center for Human Genetics Tuebingen
Classification: Benign. Last evaluated: 2023-11-01. Review status: criteria provided, single submitter. Criteria: CeGaT Center For Human Genetics Tuebingen Variant Classification Criteria Version 2. Collection method: clinical testing. Allele origin: germline. Affected: yes. Observed: 1 variant allele.
Comment: ACAN: BP4, BS1, BS2

PreventionGenetics, part of Exact Sciences
Classification: Benign for ACAN-related condition. Last evaluated: 2019-08-16. Review status: no assertion criteria provided. Collection method: clinical testing. Allele origin: germline. Not counted in ClinVar's aggregate classification.
Comment: This variant is classified as benign based on ACMG/AMP sequence variant interpretation guidelines (Richards et al. 2015 PMID: 25741868, with internal and published modifications).